The following is an entry in ClinVar:

NM_002769.5(PRSS1):c.650G>T (p.Gly217Val)

Genes: PRSS1 (serine protease 1; plus strand), TRB (T cell receptor beta locus; plus strand). Cytogenetic location: 7q34.
Variant type: single nucleotide variant.
Coding change: c.650G>T on transcript NM_002769.5 (MANE Select); coding-DNA position 650, G replaced by T.
Protein change: p.Gly217Val; replaces glycine 217 with valine.
Molecular consequence: missense variant. On other transcripts: non-coding transcript variant (5).
Genome position (GRCh38, 1-based): chr7:142,752,926, G>T. VCF-style: chr7-142752926-G-T. GRCh37 (hg19) VCF-style: chr7-142460777-G-T.
Other names: short protein forms G217V.
Identifiers: ClinVar variation 3222822 (VCV003222822.1), dbSNP rs1798877615, ClinGen allele CA369610705.

ClinVar aggregate classification (germline): Uncertain significance (1 of 4 stars; one submission).

Conditions:
Hereditary pancreatitis (PCTT). Also called: Hereditary chronic pancreatitis; PRSS1-Related Hereditary Pancreatitis. Identifiers: Orphanet 676, MedGen C0238339, MONDO:0008185, OMIM 167800.

Allele frequency attached by ClinVar (database versions not stated): gnomAD exomes below 0.00001.
gnomAD v4.1: 2 of 1,613,804 alleles (0.00012%); highest among the groups gnomAD compares: Middle Eastern, 0.016%; no homozygotes.

Submission:

Ambry Genetics
Classification: Uncertain significance for Hereditary pancreatitis. Last evaluated: 2024-02-16. Review status: criteria provided, single submitter. Criteria: Ambry Variant Classification Scheme 2023. Collection method: clinical testing. Allele origin: germline.
Comment: The p.G217V variant (also known as c.650G>T), located in coding exon 5 of the PRSS1 gene, results from a G to T substitution at nucleotide position 650. The glycine at codon 217 is replaced by valine, an amino acid with dissimilar properties. This amino acid position is conserved. In addition, this alteration is predicted to be deleterious by in silico analysis. Based on the available evidence, the clinical significance of this alteration remains unclear.